The following is an entry in ClinVar:

ClinVar aggregate classification (germline): Uncertain significance (1 of 4 stars; one submission).

Conditions:
Inborn genetic diseases. Identifiers: MedGen C0950123, MeSH D030342.

gnomAD v4.1: 6 of 1,614,070 alleles (0.00037%); highest among the groups gnomAD compares: Non-Finnish European, 0.00051%; no homozygotes.

Submission:

Ambry Genetics
Classification: Uncertain significance for Inborn genetic diseases. Last evaluated: 2024-12-13. Review status: criteria provided, single submitter. Criteria: Ambry Variant Classification Scheme 2023. Collection method: clinical testing. Allele origin: germline.
Comment: The p.N7S variant (also known as c.20A>G), located in coding exon 1 of the RTEL1 gene, results from an A to G substitution at nucleotide position 20. The asparagine at codon 7 is replaced by serine, an amino acid with highly similar properties. This amino acid position is conserved. In addition, this alteration is predicted to be tolerated by in silico analysis. Based on the available evidence, the clinical significance of this variant remains unclear.

NM_001283009.2(RTEL1):c.20A>G (p.Asn7Ser)

Genes: RTEL1 (regulator of telomere elongation helicase 1; plus strand), RTEL1-TNFRSF6B (RTEL1-TNFRSF6B readthrough (NMD candidate); plus strand). Cytogenetic location: 20q13.33.
Variant type: single nucleotide variant.
Coding change: c.20A>G on transcript NM_001283009.2 (MANE Select); coding-DNA position 20, A replaced by G.
Protein change: p.Asn7Ser; replaces asparagine 7 with serine.
Molecular consequence: missense variant. On other transcripts: non-coding transcript variant (1), intron variant (1).
Genome position (GRCh38, 1-based): chr20:63,659,422, A>G. VCF-style: chr20-63659422-A-G. GRCh37 (hg19) VCF-style: chr20-62290775-A-G.
Other names: c.20A>G, p.Asn7Ser (NM_016434.4, NM_032957.5); c.-568+963A>G (NM_001283010.1); short protein forms N7S.
Identifiers: ClinVar variation 3790950 (VCV003790950.1).